The following is an entry in ClinVar:

NM_001164508.2(NEB):c.20003C>G (p.Thr6668Ser)

Gene: NEB (nebulin; minus strand). Cytogenetic location: 2q23.3.
Variant type: single nucleotide variant.
Coding change: c.20003C>G on transcript NM_001164508.2 (MANE Select); coding-DNA position 20003, C replaced by G.
Protein change: p.Thr6668Ser; replaces threonine 6668 with serine.
Molecular consequence: missense variant.
Genome position (GRCh38, 1-based): chr2:151,549,682, G>C on the plus strand (C>G on the coding strand, the complement: NEB is on the minus strand). VCF-style: chr2-151549682-G-C. GRCh37 (hg19) VCF-style: chr2-152406196-G-C.
Other names: c.20003C>G, p.Thr6668Ser (NM_001164507.2, NM_001271208.2); c.14900C>G, p.Thr4967Ser (NM_004543.5); short protein forms T6668S, T4967S.
Identifiers: ClinVar variation 1363461 (VCV001363461.8), dbSNP rs2153632972, ClinGen allele CA348786837.

ClinVar aggregate classification (germline): Uncertain significance (1 of 4 stars; one submission).

Conditions:
Nemaline myopathy 2 (NEM2). Also called: Nemaline myopathy 2, autosomal recessive. Identifiers: MedGen C1850569, MONDO:0009725, OMIM 256030.

gnomAD v4.1: 1 of 1,601,590 alleles (0.000062%); highest among the groups gnomAD compares: Non-Finnish European, 0.000085%; no homozygotes.

Submission:

Labcorp Genetics (formerly Invitae), Labcorp
Classification: Uncertain significance for Nemaline myopathy 2. Last evaluated: 2023-07-17. Review status: criteria provided, single submitter. Criteria: Invitae Variant Classification Sherloc (09022015). Collection method: clinical testing. Allele origin: germline.
Comment: In summary, the available evidence is currently insufficient to determine the role of this variant in disease. Therefore, it has been classified as a Variant of Uncertain Significance. Experimental studies and prediction algorithms are not available or were not evaluated, and the functional significance of this variant is currently unknown. ClinVar contains an entry for this variant (Variation ID: 1363461). This variant has not been reported in the literature in individuals affected with NEB-related conditions. This variant is not present in population databases (gnomAD no frequency). This sequence change replaces threonine, which is neutral and polar, with serine, which is neutral and polar, at codon 6668 of the NEB protein (p.Thr6668Ser).